The following is an entry in ClinVar:

NM_018249.6(CDK5RAP2):c.619G>A (p.Glu207Lys)

Gene: CDK5RAP2 (CDK5 regulatory subunit associated protein 2; minus strand). Cytogenetic location: 9q33.2.
Variant type: single nucleotide variant.
Coding change: c.619G>A on transcript NM_018249.6 (MANE Select); coding-DNA position 619, G replaced by A.
Protein change: p.Glu207Lys; replaces glutamic acid 207 with lysine.
Molecular consequence: missense variant. On other transcripts: non-coding transcript variant (5).
Genome position (GRCh38, 1-based): chr9:120,536,415, C>T on the plus strand (G>A on the coding strand, the complement: CDK5RAP2 is on the minus strand). VCF-style: chr9-120536415-C-T. GRCh37 (hg19) VCF-style: chr9-123298693-C-T.
Other names: c.619G>A, p.Glu207Lys (NM_001011649.3, NM_001272039.2); short protein forms E207K.
Identifiers: ClinVar variation 452534 (VCV000452534.2), dbSNP rs756502330, ClinGen allele CA5214659.

ClinVar aggregate classification (germline): Uncertain significance (1 of 4 stars; one submission).

Allele frequency attached by ClinVar (database versions not stated): gnomAD exomes 0.00003; ExAC 0.00003; TOPMed 0.00001.
gnomAD v4.1: 12 of 1,614,082 alleles (0.00074%); highest among the groups gnomAD compares: South Asian, 0.0099%; no homozygotes.

Submission:

GeneDx
Classification: Uncertain significance. Last evaluated: 2017-10-05. Review status: criteria provided, single submitter. Criteria: GeneDx Variant Classification (06012015). Collection method: clinical testing. Allele origin: germline. Affected: yes.
Comment: The E207K variant in the CDK5RAP2 gene has not been reported previously as a pathogenic variant, nor as a benign variant, to our knowledge. The E207K variant is not observed at a significant frequency in large population cohorts (Lek et al., 2016). The E207K variant is a non-conservative amino acid substitution, which occurs at a position that is not conserved. In silico analysis predicts this variant likely does not alter the protein structure/function. We interpret E207K as a variant of uncertain significance